The following is an entry in ClinVar:

ClinVar aggregate classification (germline): Conflicting classifications of pathogenicity. Review status: criteria provided, conflicting classifications (1 of 4 stars). 8 submissions from 8 submitters: Uncertain significance (7); Likely benign (1). Last evaluated 2026-06-16.

Conditions:
RAF1-related disorder. Also called: RAF1-related condition; RAF1-related disorders.
LEOPARD syndrome 2 (LPRD2). Also called: RAF1-Related LEOPARD Syndrome. Identifiers: Orphanet 500, MedGen C1969056, MONDO:0012691, OMIM 611554.
Noonan syndrome 5 (NS5). Also called: RAF1-Related Noonan Syndrome. Identifiers: Orphanet 648, MedGen C1969057, MONDO:0012690, OMIM 611553. Disease mechanism: gain of function.
Dilated cardiomyopathy 1NN. Identifiers: Orphanet 154, MedGen C4014656, MONDO:0014396, OMIM 615916.
Cardiovascular phenotype. Identifiers: MedGen CN230736.
RASopathy. Also called: Noonan spectrum disorder; rasopathies. Identifiers: Orphanet 536391, MedGen C5555857, MONDO:0021060.

Allele frequency attached by ClinVar (database versions not stated): ExAC 0.00002; gnomAD exomes 0.00002; TOPMed 0.00005; gnomAD 0.00006.
gnomAD v4.1: 117 of 1,614,010 alleles (0.0072%); highest among the groups gnomAD compares: Non-Finnish European, 0.0092%; no homozygotes.

Submissions (8):

PreventionGenetics, part of Exact Sciences
Classification: Uncertain significance for RAF1-related condition. Last evaluated: 2026-06-16. Review status: criteria provided, single submitter. Criteria: ACMG Guidelines, 2015. Collection method: clinical testing. Allele origin: germline.
Comment: The RAF1 c.1814C>T variant is predicted to result in the amino acid substitution p.Ser605Phe. This variant has been reported in an individual with prenatal features suggestive of Noonan (Kneitel et al. 2015. PubMed ID: 26467173); however, this variant was inherited from a parent who did not have features consistent with Noonan syndrome. This variant is reported in 0.0080% of alleles in individuals of African descent in gnomAD. At this time, the clinical significance of this variant is uncertain due to the absence of conclusive functional and genetic evidence.

Labcorp Genetics (formerly Invitae), Labcorp
Classification: Uncertain significance for RASopathy. Last evaluated: 2025-12-16. Review status: criteria provided, single submitter. Criteria: Invitae Variant Classification Sherloc (09022015). Collection method: clinical testing. Allele origin: germline.
Comment: This sequence change replaces serine, which is neutral and polar, with phenylalanine, which is neutral and non-polar, at codon 605 of the RAF1 protein (p.Ser605Phe). This variant is present in population databases (rs730881004, gnomAD 0.008%). This missense change has been observed in individual(s) with a RAF1-related disease (PMID: 26467173). ClinVar contains an entry for this variant (Variation ID: 181512). Invitae Evidence Modeling of protein sequence and biophysical properties (such as structural, functional, and spatial information, amino acid conservation, physicochemical variation, residue mobility, and thermodynamic stability) indicates that this missense variant is expected to disrupt RAF1 protein function with a positive predictive value of 95%. In summary, the available evidence is currently insufficient to determine the role of this variant in disease. Therefore, it has been classified as a Variant of Uncertain Significance.

Ambry Genetics
Classification: Uncertain significance for Cardiovascular phenotype. Last evaluated: 2025-11-25. Review status: criteria provided, single submitter. Criteria: Ambry Variant Classification Scheme 2023. Collection method: clinical testing. Allele origin: germline.
Comment: The p.S605F variant (also known as c.1814C>T), located in coding exon 16 of the RAF1 gene, results from a C to T substitution at nucleotide position 1814. The serine at codon 605 is replaced by phenylalanine, an amino acid with highly dissimilar properties. This alteration has been detected in one fetus with features suggestive, but not diagnostic, of Noonan syndrome (Kneitel AW et al. Fetal Pediatr Pathol, 2015 Oct;34:361-4). This amino acid position is highly conserved in available vertebrate species. In addition, this alteration is predicted to be deleterious by in silico analysis. Since supporting evidence is limited at this time, the clinical significance of this alteration remains unclear.

Revvity Omics, Revvity
Classification: Uncertain significance. Last evaluated: 2025-04-03. Review status: criteria provided, single submitter. Criteria: ACMG Guidelines, 2015. Collection method: clinical testing. Allele origin: germline.

Blueprint Genetics
Classification: Likely benign. Last evaluated: 2024-10-09. Review status: criteria provided, single submitter. Criteria: ACMG Guidelines, 2015. Collection method: clinical testing. Allele origin: germline.

New York Genome Center
Classification: Uncertain significance for LEOPARD syndrome 2; Noonan syndrome 5. Last evaluated: 2021-02-26. Review status: criteria provided, single submitter. Criteria: NYGC Assertion Criteria 2020. Collection method: clinical testing. Allele origin: inherited. Observed: 1 heterozygote. Study: CSER-NYCKidSeq.

Fulgent Genetics
Classification: Uncertain significance for Noonan syndrome 5; LEOPARD syndrome 2; Dilated cardiomyopathy 1NN. Last evaluated: 2018-10-31. Review status: criteria provided, single submitter. Criteria: ACMG Guidelines, 2015. Collection method: clinical testing. Allele origin: unknown.

GeneDx
Classification: Uncertain significance. Last evaluated: 2016-06-27. Review status: criteria provided, single submitter. Criteria: GeneDx Variant Classification (06012015). Collection method: clinical testing. Allele origin: germline. Affected: yes.
Comment: The S605F variant in the RAF1 gene has been published previously as possibly associated with Noonan syndrome and inherited from a parent lacking clear clinical manifestations of Noonan syndrome (Kneitel et al., 2015). The variant was not observed in approximately 6,500 individuals of European and African American ancestry in the NHLBI Exome Sequencing Project, indicating it is not a common benign variant in these populations. S605F is a non-conservative amino acid substitution, which is likely to impact secondary protein structure as these residues differ in polarity, charge, size and/or other properties. This substitution occurs at a position that is conserved across species, and in silico analysis predicts this variant is probably damaging to the protein structure/function. Therefore, based on the currently available information, it is unclear whether this variant is a pathogenic variant or a rare benign variant.

Literature cited by the submitters: PubMed 26467173 (cited by Labcorp Genetics (formerly Invitae), Labcorp and Ambry Genetics).

NM_002880.4(RAF1):c.1814C>T (p.Ser605Phe)

Gene: RAF1 (Raf-1 proto-oncogene, serine/threonine kinase; minus strand). Cytogenetic location: 3p25.2.
Variant type: single nucleotide variant.
Coding change: c.1814C>T on transcript NM_002880.4 (MANE Select); coding-DNA position 1814, C replaced by T.
Protein change: p.Ser605Phe; replaces serine 605 with phenylalanine.
Molecular consequence: missense variant. On other transcripts: non-coding transcript variant (3).
Genome position (GRCh38, 1-based): chr3:12,584,647, G>A on the plus strand (C>T on the coding strand, the complement: RAF1 is on the minus strand). VCF-style: chr3-12584647-G-A. GRCh37 (hg19) VCF-style: chr3-12626146-G-A.
Other names: p.S605F:TCC>TTC; c.1874C>T, p.Ser625Phe (NM_001354689.3); c.1814C>T, p.Ser605Phe (NM_001354690.3); c.1571C>T, p.Ser524Phe (NM_001354691.3, NM_001354692.3); c.1715C>T, p.Ser572Phe (NM_001354693.3); c.1631C>T, p.Ser544Phe (NM_001354694.3); c.1472C>T, p.Ser491Phe (NM_001354695.3); short protein forms S605F, S524F, S491F, S544F, S625F, S572F.
Identifiers: ClinVar variation 181512 (VCV000181512.23), dbSNP rs730881004, ClinGen allele CA297133.